The following is an entry in ClinVar:

NM_002143.3(HPCA):c.440A>T (p.Lys147Met)

Gene: HPCA (hippocalcin; plus strand). Cytogenetic location: 1p35.1.
Variant type: single nucleotide variant.
Coding change: c.440A>T on transcript NM_002143.3 (MANE Select); coding-DNA position 440, A replaced by T.
Protein change: p.Lys147Met; replaces lysine 147 with methionine.
Molecular consequence: missense variant.
Genome position (GRCh38, 1-based): chr1:32,893,585, A>T. VCF-style: chr1-32893585-A-T. GRCh37 (hg19) VCF-style: chr1-33359186-A-T.
Other names: c.440A>T (NM_002143.2); short protein forms K147M.
Identifiers: ClinVar variation 2198281 (VCV002198281.2), dbSNP rs770427605, ClinGen allele CA745932.
Genomic context (GRCh38, chr1:32,893,585, plus strand): 5'-CCATTTACAAGATGGTTTCGTCCGTGATGAAGATGCCGGAGGACGAGTCGACCCCGGAAA[A>T]GAGGACTGAGAAAATCTTCCGCCAAATGGACACAAACAACGACGGTGAGGGGCAGGGGCG-3'
Protein context (NP_002134.2, residues 137-157): KMPEDESTPE[Lys147Met]RTEKIFRQMD

ClinVar aggregate classification (germline): Uncertain significance. Review status: criteria provided, multiple submitters, no conflicts (2 of 4 stars). 2 submissions from 2 submitters: Uncertain significance (2). Last evaluated 2024-11-15.

Allele frequency attached by ClinVar (database versions not stated): gnomAD 0.00002; TOPMed 0.00002; ExAC 0.00003.
gnomAD v4.1: 57 of 1,613,252 alleles (0.0035%); highest among the groups gnomAD compares: Non-Finnish European, 0.0047%; no homozygotes.

Submissions (2):

Ambry Genetics
Classification: Uncertain significance. Last evaluated: 2024-11-15. Review status: criteria provided, single submitter. Criteria: Ambry Variant Classification Scheme 2023. Collection method: clinical testing. Allele origin: germline.

Labcorp Genetics (formerly Invitae), Labcorp
Classification: Uncertain significance. Last evaluated: 2021-12-17. Review status: criteria provided, single submitter. Criteria: Invitae Variant Classification Sherloc (09022015). Collection method: clinical testing. Allele origin: germline.
Comment: This sequence change replaces lysine, which is basic and polar, with methionine, which is neutral and non-polar, at codon 147 of the HPCA protein (p.Lys147Met). This variant is present in population databases (rs770427605, gnomAD 0.005%). This variant has not been reported in the literature in individuals affected with HPCA-related conditions. Algorithms developed to predict the effect of missense changes on protein structure and function are either unavailable or do not agree on the potential impact of this missense change (SIFT: "Tolerated"; PolyPhen-2: "Possibly Damaging"; Align-GVGD: "Class C0"). In summary, the available evidence is currently insufficient to determine the role of this variant in disease. Therefore, it has been classified as a Variant of Uncertain Significance.